The following is an entry in ClinVar:

NM_001083962.2(TCF4):c.1841C>T (p.Ala614Val)

Gene: TCF4 (transcription factor 4; minus strand). Cytogenetic location: 18q21.2.
Variant type: single nucleotide variant.
Coding change: c.1841C>T on transcript NM_001083962.2 (MANE Select); coding-DNA position 1841, C replaced by T.
Protein change: p.Ala614Val; replaces alanine 614 with valine.
Molecular consequence: missense variant.
Genome position (GRCh38, 1-based): chr18:55,228,885, G>A on the plus strand (C>T on the coding strand, the complement: TCF4 is on the minus strand). VCF-style: chr18-55228885-G-A. GRCh37 (hg19) VCF-style: chr18-52896116-G-A.
Other names: c.1451C>T, p.Ala484Val (NM_001330605.3, NM_001348213.2); c.1715C>T, p.Ala572Val (NM_001348211.2); c.1439C>T, p.Ala480Val (NM_001348212.2, NM_001243233.2); c.1346C>T, p.Ala449Val (NM_001348214.2); c.1193C>T, p.Ala398Val (NM_001348215.2); c.1361C>T, p.Ala454Val (NM_001348216.2, NM_001243234.2); c.1769C>T, p.Ala590Val (NM_001348217.1, NM_001348218.2, NM_001243227.2 and 1 more transcripts); c.1757C>T, p.Ala586Val (NM_001348219.2, NM_001306207.1, NM_001369582.1 and 1 more transcripts); and 14 more; short protein forms A614V, A398V, A449V, A450V, A454V, A480V, A539V, A543V.
Identifiers: ClinVar variation 581714 (VCV000581714.17), dbSNP rs1568303352, ClinGen allele CA402528341.

ClinVar aggregate classification (germline): Pathogenic. Review status: criteria provided, multiple submitters, no conflicts (2 of 4 stars). 8 submissions from 8 submitters: Pathogenic (4). 4 of the submissions do not count toward it. Last evaluated 2025-03-07.

Conditions:
Pitt-Hopkins syndrome (PTHS). Also called: MENTAL RETARDATION, SYNDROMAL, WITH INTERMITTENT HYPERVENTILATION; ENCEPHALOPATHY, SEVERE EPILEPTIC, WITH AUTONOMIC DYSFUNCTION. Identifiers: Orphanet 2896, MedGen C1970431, MONDO:0012589, OMIM 610954.

Submissions (8):

3billion
Classification: Pathogenic for Pitt-Hopkins syndrome. Last evaluated: 2025-03-07. Review status: criteria provided, single submitter. Criteria: ACMG Guidelines, 2015. Collection method: clinical testing. Allele origin: germline. Affected: yes.
Comment: The variant is not observed in the gnomAD v4.1.0 dataset. Predicted Consequence/Location: The variant is located in a mutational hot spot and/or well-established functional domain in which established pathogenic variants have been reported. In silico tool predictions suggest damaging effect of the variant on gene or gene product [REVEL: 0.96 (>=0.6, sensitivity 0.68 and specificity 0.92); 3Cnet: 0.99 (> 0.75, sensitivity 0.96 and precision 0.92)]. The same nucleotide change resulting in the same amino acid change has been previously reported as pathogenic/likely pathogenic with strong evidence (ClinVar ID: VCV000581714 / PMID: 19235238). A different missense change at the same codon (p.Ala614Pro) has been reported to be associated with TCF4-related disorder (ClinVar ID: VCV000160081). Therefore, this variant is classified as Pathogenic according to the recommendation of ACMG/AMP guideline.

GeneDx
Classification: Pathogenic. Last evaluated: 2024-07-11. Review status: criteria provided, single submitter. Criteria: GeneDx Variant Classification Process June 2021. Collection method: clinical testing. Allele origin: germline. Affected: yes.
Comment: Published in vitro functional studies demonstrate a damaging effect with elevated degradation of the protein through the proteasome pathway, impaired DNA binding, and abolished homodimerization ability (PMID: 22460224, 26621827); In silico analysis supports that this missense variant has a deleterious effect on protein structure/function; Not observed at significant frequency in large population cohorts (gnomAD); This variant is associated with the following publications: (PMID: 22777675, 29695756, 26621827, 22045651, 31666615, 22460224, 19235238, 32959227, 35982160, 33057194, 35982159)

Institute of Medical Genetics and Applied Genomics, University Hospital Tübingen
Classification: Pathogenic for Pitt-Hopkins syndrome. Last evaluated: 2023-12-12. Review status: criteria provided, single submitter. Criteria: ACMG Guidelines, 2015. Collection method: clinical testing. Allele origin: germline. Inheritance: Autosomal dominant inheritance. Affected: yes.

Labcorp Genetics (formerly Invitae), Labcorp
Classification: Pathogenic for Pitt-Hopkins syndrome. Last evaluated: 2019-08-28. Review status: criteria provided, single submitter. Criteria: Invitae Variant Classification Sherloc (09022015). Collection method: clinical testing. Allele origin: germline.
Comment: For these reasons, this variant has been classified as Pathogenic. Algorithms developed to predict the effect of sequence changes on RNA splicing suggest that this variant may create or strengthen a splice site, but this prediction has not been confirmed by published transcriptional studies. This variant has been reported to affect TCF4 protein function (PMID: 22460224, 22777675, 26621827). This variant has been observed to be de novo in individuals affected with Pitt-Hopkins syndrome (PMID: 19235238, 29695756). This variant is also known as c.1823C>T (p.Ala610Val) in the literature. ClinVar contains an entry for this variant (Variation ID: 581714). This variant is not present in population databases (ExAC no frequency). This sequence change replaces alanine with valine at codon 614 of the TCF4 protein (p.Ala614Val). The alanine residue is highly conserved and there is a small physicochemical difference between alanine and valine.

Department of Rehabilitation, Anhui Provincial Children's Hospital
Classification: Pathogenic for Pitt-Hopkins syndrome. Last evaluated: 2022-11-13. Review status: no assertion criteria provided. Collection method: clinical testing. Allele origin: de novo. Affected: yes. Not counted in ClinVar's aggregate classification.
Comment: Functional studies have shown that this variant affects protein function. This variant is located within a critical functional domain. Multiple bioinformatic prediction tools suggest that this variant is likely to have a deleterious effect on the gene or its product.

Molecular Genetics laboratory, Necker Hospital
Classification: Pathogenic. Last evaluated: 2021-04-14. Review status: no assertion criteria provided. Collection method: clinical testing. Allele origin: de novo. Affected: yes. Not counted in ClinVar's aggregate classification.

Genome Diagnostics Laboratory, University Medical Center Utrecht
Classification: Pathogenic. Review status: no assertion criteria provided. Collection method: clinical testing. Allele origin: germline. Affected: yes. Study: VKGL Data-share Consensus. Not counted in ClinVar's aggregate classification.

Joint Genome Diagnostic Labs from Nijmegen and Maastricht, Radboudumc and MUMC+
Classification: Pathogenic. Review status: no assertion criteria provided. Collection method: clinical testing. Allele origin: germline. Affected: yes. Study: VKGL Data-share Consensus. Not counted in ClinVar's aggregate classification.

Literature cited by the submitters: PubMed 19235238 (cited by 3billion and Labcorp Genetics (formerly Invitae), Labcorp); PubMed 22460224 (cited by Labcorp Genetics (formerly Invitae), Labcorp); PubMed 22777675 (cited by Labcorp Genetics (formerly Invitae), Labcorp); PubMed 26621827 (cited by Labcorp Genetics (formerly Invitae), Labcorp); PubMed 29695756 (cited by Labcorp Genetics (formerly Invitae), Labcorp).